The following is an entry in ClinVar:

ClinVar aggregate classification (germline): Uncertain significance (1 of 4 stars; one submission).

Conditions:
Inborn genetic diseases. Identifiers: MedGen C0950123, MeSH D030342.

Submission:

Ambry Genetics
Classification: Uncertain significance for Inborn genetic diseases. Last evaluated: 2026-06-29. Review status: criteria provided, single submitter. Criteria: Ambry Variant Classification Scheme 2023. Collection method: clinical testing. Allele origin: germline.
Comment: The p.T323I variant (also known as c.968C>T), located in coding exon 11 of the FANCA gene, results from a C to T substitution at nucleotide position 968. The threonine at codon 323 is replaced by isoleucine, an amino acid with similar properties. This amino acid position is conserved. In addition, the in silico prediction for this alteration is inconclusive. Based on the available evidence, the clinical significance of this variant remains unclear.

NM_000135.4(FANCA):c.968C>T (p.Thr323Ile)

Gene: FANCA (FA complementation group A; minus strand). Cytogenetic location: 16q24.3.
Variant type: single nucleotide variant.
Coding change: c.968C>T on transcript NM_000135.4 (MANE Select); coding-DNA position 968, C replaced by T.
Protein change: p.Thr323Ile; replaces threonine 323 with isoleucine.
Molecular consequence: missense variant.
Genome position (GRCh38, 1-based): chr16:89,795,944, G>A on the plus strand (C>T on the coding strand, the complement: FANCA is on the minus strand). VCF-style: chr16-89795944-G-A. GRCh37 (hg19) VCF-style: chr16-89862352-G-A.
Other names: c.968C>T, p.Thr323Ile (NM_001286167.3); short protein forms T323I.
Identifiers: ClinVar variation 5036328 (VCV005036328.1).